The following is an entry in ClinVar:

NM_000384.3(APOB):c.4409A>G (p.His1470Arg)

Gene: APOB (apolipoprotein B; minus strand). Cytogenetic location: 2p24.1.
Variant type: single nucleotide variant.
Coding change: c.4409A>G on transcript NM_000384.3 (MANE Select); coding-DNA position 4409, A replaced by G.
Protein change: p.His1470Arg; replaces histidine 1470 with arginine.
Molecular consequence: missense variant.
Genome position (GRCh38, 1-based): chr2:21,012,459, T>C on the plus strand (A>G on the coding strand, the complement: APOB is on the minus strand). VCF-style: chr2-21012459-T-C. GRCh37 (hg19) VCF-style: chr2-21235331-T-C.
Other names: short protein forms H1470R.
Identifiers: ClinVar variation 4088082 (VCV004088082.1).
Genomic context (GRCh38, chr2:21,012,459, plus strand): 5'-AACTGCCCATCAATCTTGACTTCTTTGACAAACAAATGCTGTTTCTTTTTGGAGTCCAAA[T>C]GAACTGAAGCAGACATCTGTGGTCCCCAGGAACTAGATGCATCGAATATTAGTAAACCTT-3'
Protein context (NP_000375.3, residues 1460-1480): SWGPQMSASV[His1470Arg]LDSKKKQHLF

ClinVar aggregate classification (germline): Uncertain significance (1 of 4 stars; one submission).

Submission:

GeneDx
Classification: Uncertain significance. Last evaluated: 2025-03-28. Review status: criteria provided, single submitter. Criteria: GeneDx Variant Classification Process June 2021. Collection method: clinical testing. Allele origin: germline. Affected: yes.
Comment: Not observed at significant frequency in large population cohorts (gnomAD); In silico analysis supports that this missense variant has a deleterious effect on protein structure/function; Has not been previously published as pathogenic or benign to our knowledge